The following is an entry in ClinVar:

NM_001165963.4(SCN1A):c.3724_3725dup (p.Asp1243fs)

Genes: SCN1A (sodium voltage-gated channel alpha subunit 1; minus strand), LOC102724058 (uncharacterized LOC102724058; plus strand). Cytogenetic location: 2q24.3.
Variant type: Microsatellite.
Coding change: c.3724_3725dup on transcript NM_001165963.4 (MANE Select); coding-DNA positions 3724 to 3725, 2 bases duplicated (AT; older notation c.3724_3725dupAT).
Protein change: p.Asp1243fs; shifts the reading frame from aspartic acid 1243.
Molecular consequence: frameshift variant. On other transcripts: non-coding transcript variant (1).
Genome position (GRCh38, 1-based): chr2:166,012,263-166,012,264, AT duplicated on the plus strand (AT on the coding strand, the reverse complement: SCN1A is on the minus strand); duplicating any 2 consecutive bases within chr2:166,012,263-166,012,272 gives the same sequence; the c. name uses the placement nearest the transcript's 3' end. VCF-style (leftmost placement, unchanged base first): chr2-166012262-A-AAT. GRCh37 (hg19) VCF-style: chr2-166868772-A-AAT.
Other names: c.3724_3725dup (NM_001165963.1); c.3640_3641dup, p.Asp1215fs (NM_001165964.3, NM_001353958.2, NM_001353957.2); c.3637_3638dup, p.Asp1214fs (NM_001353960.2); c.1282_1283dup, p.Asp429fs (NM_001353961.2); c.3691_3692dup, p.Asp1232fs (NM_006920.6, NM_001353949.2, NM_001353950.2 and 2 more transcripts); c.3724_3725dup, p.Asp1243fs (NM_001202435.3, NM_001353948.2); c.3688_3689dup, p.Asp1231fs (NM_001353954.2, NM_001353955.2); short protein forms D1243fs, D429fs, D1214fs, D1215fs, D1231fs, D1232fs.
Identifiers: ClinVar variation 206910 (VCV000206910.49), dbSNP rs796053072, ClinGen allele CA317728.

ClinVar aggregate classification (germline): Pathogenic. Review status: criteria provided, multiple submitters, no conflicts (2 of 4 stars). 5 submissions from 5 submitters: Pathogenic (5). Last evaluated 2025-10-24.

Conditions:
Developmental and epileptic encephalopathy 6B. Also called: Developmental and epileptic encephalopathy 6B, non-Dravet. Identifiers: MedGen C5543353, MONDO:0030268, OMIM 619317.
Early-infantile DEE. Also called: Ohtahara syndrome; Early infantile epileptic encephalopathy; Early infantile epileptic encephalopathy with suppression bursts. Identifiers: Orphanet 1934, MedGen C0393706, MONDO:0800491.

Submissions (5):

Dasa
Classification: Pathogenic. Last evaluated: 2025-10-24. Review status: criteria provided, single submitter. Criteria: DASA Assertion Criteria. Collection method: clinical testing. Allele origin: germline.
Comment: NM_001165963.4(SCN1A):c.3724_3725dup (p.Asp1243Leufs*28) introduces a premature termination codon predicted to result in loss of normal protein function. Loss-of-function is an established mechanism of disease for this gene. This variant has been recurrently observed in individuals with related phenotype (PMID: 36684540; PMID: 31440721). The variant is present at low frequency in population datasets. Based on the available data, this variant is classified as pathogenic.

GeneDx
Classification: Pathogenic. Last evaluated: 2025-08-13. Review status: criteria provided, single submitter. Criteria: GeneDx Variant Classification Process June 2021. Collection method: clinical testing. Allele origin: germline. Affected: yes.
Comment: Identified in patients with epilepsy, including an assumed de novo occurrence, in published literature (PMID: 36684540, 32880473, 17561957, 31440721, 23195492); Frameshift variant predicted to result in protein truncation or nonsense mediated decay in a gene for which loss of function is a known mechanism of disease; Not observed at significant frequency in large population cohorts (gnomAD); Also known as c.3725_3726insAT and c.3726insAT; This variant is associated with the following publications: (PMID: 36684540, 23195492, 31440721, 32880473, 17561957)

Labcorp Genetics (formerly Invitae), Labcorp
Classification: Pathogenic for Early-infantile DEE. Last evaluated: 2024-09-05. Review status: criteria provided, single submitter. Criteria: Invitae Variant Classification Sherloc (09022015). Collection method: clinical testing. Allele origin: germline.
Comment: This sequence change creates a premature translational stop signal (p.Asp1243Leufs*28) in the SCN1A gene. It is expected to result in an absent or disrupted protein product. Loss-of-function variants in SCN1A are known to be pathogenic (PMID: 17347258, 18930999). This variant is not present in population databases (gnomAD no frequency). This premature translational stop signal has been observed in individual(s) with epilepsy (PMID: 17561957, 23195492). This variant is also known as p.I1242ins1270X. ClinVar contains an entry for this variant (Variation ID: 206910). For these reasons, this variant has been classified as Pathogenic.

3billion
Classification: Pathogenic for Developmental and epileptic encephalopathy 6B. Last evaluated: 2023-12-03. Review status: criteria provided, single submitter. Criteria: ACMG Guidelines, 2015. Collection method: clinical testing. Allele origin: germline. Affected: yes.
Comment: The variant is not observed in the gnomAD v2.1.1 dataset. Predicted Consequence/Location: Frameshift: predicted to result in a loss or disruption of normal protein function through nonsense-mediated decay (NMD) or protein truncation. Multiple pathogenic variants are reported downstream of the variant. The variant has been reported at least twice as pathogenic with clinical assertions and evidence for the classification (ClinVar ID: VCV000206910 /PMID: 17561957). Therefore, this variant is classified as Pathogenic according to the recommendation of ACMG/AMP guideline.

CeGaT Center for Human Genetics Tuebingen
Classification: Pathogenic. Last evaluated: 2021-06-01. Review status: criteria provided, single submitter. Criteria: CeGaT Center For Human Genetics Tuebingen Variant Classification Criteria Version 2. Collection method: clinical testing. Allele origin: germline. Affected: yes. Observed: 1 variant allele.

Literature cited by the submitters: PubMed 36684540 (cited by Dasa); PubMed 31440721 (cited by Dasa); PubMed 17347258 (cited by Labcorp Genetics (formerly Invitae), Labcorp); PubMed 18930999 (cited by Labcorp Genetics (formerly Invitae), Labcorp); PubMed 17561957 (cited by Labcorp Genetics (formerly Invitae), Labcorp and 3billion); PubMed 23195492 (cited by Labcorp Genetics (formerly Invitae), Labcorp).